The following is an entry in ClinVar:

ClinVar aggregate classification (germline): Uncertain significance (1 of 4 stars; one submission).

Conditions:
Inborn genetic diseases. Identifiers: MedGen C0950123, MeSH D030342.

Submission:

Ambry Genetics
Classification: Uncertain significance for Inborn genetic diseases. Last evaluated: 2025-06-26. Review status: criteria provided, single submitter. Criteria: Ambry Variant Classification Scheme 2023. Collection method: clinical testing. Allele origin: germline.
Comment: The p.W5C variant (also known as c.15G>T), located in coding exon 1 of the FANCA gene, results from a G to T substitution at nucleotide position 15. The tryptophan at codon 5 is replaced by cysteine, an amino acid with highly dissimilar properties. This amino acid position is conserved. In addition, this alteration is predicted to be tolerated by in silico analysis. Based on the available evidence, the clinical significance of this variant remains unclear.

NM_000135.4(FANCA):c.15G>T (p.Trp5Cys)

Genes: FANCA (FA complementation group A; minus strand), LOC112486223 (Sharpr-MPRA regulatory region 3988; plus strand). Cytogenetic location: 16q24.3.
Variant type: single nucleotide variant.
Coding change: c.15G>T on transcript NM_000135.4 (MANE Select); coding-DNA position 15, G replaced by T.
Protein change: p.Trp5Cys; replaces tryptophan 5 with cysteine.
Molecular consequence: missense variant.
Genome position (GRCh38, 1-based): chr16:89,816,601, C>A on the plus strand (G>T on the coding strand, the complement: FANCA is on the minus strand). VCF-style: chr16-89816601-C-A. GRCh37 (hg19) VCF-style: chr16-89883009-C-A.
Other names: c.15G>T, p.Trp5Cys (NM_001018112.3, NM_001286167.3, NM_001351830.2); short protein forms W5C.
Identifiers: ClinVar variation 4254161 (VCV004254161.1).
Genomic context (GRCh38, chr16:89,816,601, plus strand): 5'-CAGCTCGGCCCAGGCCCTCCGGCGGCCCCCTGGGTCCTGGCCCGAGGCGGAGTTCGGGAC[C>A]CACGAGTCGGACATGGCCTTGGCGCCTACAGCCCCGGCGGCGGCTCCCTGCGCCCGAGCC-3'
Protein context (NP_000126.2, residues 1-15): MSDS[Trp5Cys]VPNSASGQDP